The following is an entry in ClinVar:

NM_006372.5(SYNCRIP):c.474T>A (p.Pro158=)

Gene: SYNCRIP (synaptotagmin binding cytoplasmic RNA interacting protein; minus strand). Cytogenetic location: 6q14.3.
Variant type: single nucleotide variant.
Coding change: c.474T>A on transcript NM_006372.5 (MANE Select); coding-DNA position 474, T replaced by A.
Protein change: p.Pro158=; no amino-acid change (proline 158 retained).
Molecular consequence: synonymous variant. On other transcripts: intron variant (1).
Genome position (GRCh38, 1-based): chr6:85,637,258, A>T on the plus strand (T>A on the coding strand, the complement: SYNCRIP is on the minus strand). VCF-style: chr6-85637258-A-T. GRCh37 (hg19) VCF-style: chr6-86346976-A-T.
Other names: c.180T>A, p.Pro60= (NM_001159673.2, NM_001410938.1, NM_001439159.1); c.474T>A, p.Pro158= (NM_001159674.2, NM_001159675.2, NM_001159676.2 and 5 more transcripts); c.33+11T>A (NM_001253771.2).
Identifiers: ClinVar variation 4875046 (VCV004875046.2).

ClinVar aggregate classification (germline): Likely benign (1 of 4 stars; one submission).

Submission:

CeGaT Center for Human Genetics Tuebingen
Classification: Likely benign. Last evaluated: 2026-06-01. Review status: criteria provided, single submitter. Criteria: CeGaT Center For Human Genetics Tuebingen Variant Classification Criteria Version 2. Collection method: clinical testing. Allele origin: germline. Affected: yes. Observed: 1 variant allele.
Comment: SYNCRIP: BP4